The following is an entry in ClinVar:

ClinVar aggregate classification (germline): Uncertain significance (1 of 4 stars; one submission).

Conditions:
Malignant hyperthermia, susceptibility to, 1 (MHS1). Also called: Anesthesia related hyperthermia; Malignant hyperpyrexia; Fulminating hyperpyrexia; Pharmacogenic myopathy; RYR1-Related Malignant Hyperthermia Susceptibility; Malignant hyperthermia suceptibility 1. Identifiers: Orphanet 423, MedGen C2930980, MONDO:0007783, OMIM 145600.

Submission:

All of Us Research Program, National Institutes of Health
Classification: Uncertain significance for Malignant hyperthermia, susceptibility to, 1. Last evaluated: 2023-08-15. Review status: criteria provided, single submitter. Criteria: ACMG Guidelines, 2015. Collection method: clinical testing. Allele origin: germline. Inheritance: Autosomal dominant inheritance. Observed: 1 variant allele, 1 heterozygote.
Comment: This variant deletes 1 nucleotide in exon 37 of the RYR1 gene, creating a frameshift and premature translation stop signal. This variant is expected to result in an absent or non-functional protein product. To our knowledge, this variant has not been reported in individuals affected with RYR1-related disorders in the literature. This variant has not been identified in the general population by the Genome Aggregation Database (gnomAD). Loss of RYR1 function due to truncation variants is not an established disease mechanism for autosomal dominant malignant hyperthermia, although it is associated with other phenotype(s). Due to insufficient evidence, this variant is classified as a Variant of Uncertain Significance for autosomal dominant malignant hyperthermia.

This study involves interpretation of variants in research participants for the purpose of population health screening. Participant phenotype was not available at the time of variant classification. Additional details can be found in publication PMID: 35346344, PMCID: PMC8962531

NM_000540.3(RYR1):c.6050del (p.Asp2017fs)

Gene: RYR1 (ryanodine receptor 1; plus strand). Cytogenetic location: 19q13.2.
Variant type: Deletion.
Coding change: c.6050del on transcript NM_000540.3 (MANE Select); coding-DNA position 6050, one base deleted (A; older notation c.6050delA).
Protein change: p.Asp2017fs; shifts the reading frame from aspartic acid 2017.
Molecular consequence: frameshift variant.
Genome position (GRCh38, 1-based): chr19:38,490,655, A deleted. VCF-style (leftmost placement, unchanged base first): chr19-38490654-GA-G. GRCh37 (hg19) VCF-style: chr19-38981294-GA-G.
Other names: c.6050del, p.Asp2017fs (NM_001042723.2); short protein forms D2017fs.
Identifiers: ClinVar variation 3072942 (VCV003072942.1), dbSNP rs2534363913, ClinGen allele CA2825002787.